The following is an entry in ClinVar:

ClinVar aggregate classification (germline): Uncertain significance (1 of 4 stars; one submission).

Conditions:
VPS13B-related disorder. Also called: VPS13B-related condition.

gnomAD v4.1: 2 of 1,613,842 alleles (0.00012%); highest among the groups gnomAD compares: African/African-American, 0.0027%; no homozygotes.

Submission:

PreventionGenetics, part of Exact Sciences
Classification: Uncertain significance for VPS13B-related condition. Last evaluated: 2024-12-05. Review status: criteria provided, single submitter. Criteria: ACMG Guidelines, 2015. Collection method: clinical testing. Allele origin: germline.
Comment: The VPS13B c.8807G>A variant is predicted to result in the amino acid substitution p.Ser2936Asn. To our knowledge, this variant has not been reported in the literature. This variant is reported in 0.0080% of alleles in individuals of African descent in gnomAD. At this time, the clinical significance of this variant is uncertain due to the absence of conclusive functional and genetic evidence.

NM_152564.5(VPS13B):c.8807G>A (p.Ser2936Asn)

Gene: VPS13B (vacuolar protein sorting 13 homolog B; plus strand). Cytogenetic location: 8q22.2.
Variant type: single nucleotide variant.
Coding change: c.8807G>A on transcript NM_152564.5 (MANE Select); coding-DNA position 8807, G replaced by A.
Protein change: p.Ser2936Asn; replaces serine 2936 with asparagine.
Molecular consequence: missense variant.
Genome position (GRCh38, 1-based): chr8:99,819,935, G>A. VCF-style: chr8-99819935-G-A. GRCh37 (hg19) VCF-style: chr8-100832163-G-A.
Other names: c.8882G>A, p.Ser2961Asn (NM_017890.5); short protein forms S2961N, S2936N.
Identifiers: ClinVar variation 4983098 (VCV004983098.1).